The following is an entry in ClinVar:

NM_014956.5(CEP164):c.2920A>G (p.Thr974Ala)

Gene: CEP164 (centrosomal protein 164; plus strand). Cytogenetic location: 11q23.3.
Variant type: single nucleotide variant.
Coding change: c.2920A>G on transcript NM_014956.5 (MANE Select); coding-DNA position 2920, A replaced by G.
Protein change: p.Thr974Ala; replaces threonine 974 with alanine.
Molecular consequence: missense variant.
Genome position (GRCh38, 1-based): chr11:117,395,553, A>G. VCF-style: chr11-117395553-A-G. GRCh37 (hg19) VCF-style: chr11-117266269-A-G.
Other names: c.2929A>G, p.Thr977Ala (NM_001271933.2); short protein forms T977A, T974A.
Identifiers: ClinVar variation 707349 (VCV000707349.13), dbSNP rs56699807, ClinGen allele CA6295284.

ClinVar aggregate classification (germline): Benign/Likely benign. Review status: criteria provided, multiple submitters, no conflicts (2 of 4 stars). 4 submissions from 4 submitters: Benign (1); Likely benign (2). 1 of the submissions does not count toward it. Last evaluated 2026-01-22.

Conditions:
CEP164-related disorder. Also called: CEP164-related condition.
Inborn genetic diseases. Identifiers: MedGen C0950123, MeSH D030342.
Nephronophthisis 15 (NPHP15). Identifiers: Orphanet 3156, MedGen C3541853, MONDO:0013917, OMIM 614845.

Allele frequency attached by ClinVar (database versions not stated): 1000 Genomes Project 0.00020; gnomAD 0.00020 and 0.00017; TOPMed 0.00028; ESP Exome Variant Server 0.00008; 1000 Genomes Project 30x 0.00016.
gnomAD v4.1: 485 of 1,610,168 alleles (0.03%); highest among the groups gnomAD compares: Middle Eastern, 0.19%; 2 homozygotes.

Submissions (4):

Labcorp Genetics (formerly Invitae), Labcorp
Classification: Benign for Nephronophthisis 15. Last evaluated: 2026-01-22. Review status: criteria provided, single submitter. Criteria: Invitae Variant Classification Sherloc (09022015). Collection method: clinical testing. Allele origin: germline.

Blueprint Genetics
Classification: Likely benign. Last evaluated: 2024-09-30. Review status: criteria provided, single submitter. Criteria: ACMG Guidelines, 2015. Collection method: clinical testing. Allele origin: germline.

Ambry Genetics
Classification: Likely benign for Inborn genetic diseases. Last evaluated: 2023-11-14. Review status: criteria provided, single submitter. Criteria: Ambry Variant Classification Scheme 2023. Collection method: clinical testing. Allele origin: germline.

PreventionGenetics, part of Exact Sciences
Classification: Likely benign for CEP164-related condition. Last evaluated: 2024-08-14. Review status: no assertion criteria provided. Collection method: clinical testing. Allele origin: germline. Not counted in ClinVar's aggregate classification.
Comment: This variant is classified as likely benign based on ACMG/AMP sequence variant interpretation guidelines (Richards et al. 2015 PMID: 25741868, with internal and published modifications).